The following is an entry in ClinVar:

ClinVar aggregate classification (germline): Uncertain significance (1 of 4 stars; one submission).

Conditions:
Hypertrophic cardiomyopathy. Also called: HYPERTROPHIC MYOCARDIOPATHY. Identifiers: Orphanet 217569, MedGen C0007194, MeSH D002312, MONDO:0005045, HP:0001639.

Submission:

Labcorp Genetics (formerly Invitae), Labcorp
Classification: Uncertain significance for Hypertrophic cardiomyopathy. Last evaluated: 2024-04-22. Review status: criteria provided, single submitter. Criteria: Invitae Variant Classification Sherloc (09022015). Collection method: clinical testing. Allele origin: germline.
Comment: This sequence change replaces phenylalanine, which is neutral and non-polar, with serine, which is neutral and polar, at codon 244 of the MYH7 protein (p.Phe244Ser). This variant is not present in population databases (gnomAD no frequency). This variant has not been reported in the literature in individuals affected with MYH7-related conditions. An algorithm developed to predict the effect of missense changes on protein structure and function (PolyPhen-2) suggests that this variant is likely to be disruptive. In summary, the available evidence is currently insufficient to determine the role of this variant in disease. Therefore, it has been classified as a Variant of Uncertain Significance.

NM_000257.4(MYH7):c.731T>C (p.Phe244Ser)

Gene: MYH7 (myosin heavy chain 7; minus strand). Cytogenetic location: 14q11.2.
Variant type: single nucleotide variant.
Coding change: c.731T>C on transcript NM_000257.4 (MANE Select); coding-DNA position 731, T replaced by C.
Protein change: p.Phe244Ser; replaces phenylalanine 244 with serine.
Molecular consequence: missense variant.
Genome position (GRCh38, 1-based): chr14:23,431,586, A>G on the plus strand (T>C on the coding strand, the complement: MYH7 is on the minus strand). VCF-style: chr14-23431586-A-G. GRCh37 (hg19) VCF-style: chr14-23900795-A-G.
Other names: c.731T>C, p.Phe244Ser (NM_001407004.1); short protein forms F244S.
Identifiers: ClinVar variation 3649876 (VCV003649876.2).